The following is an entry in ClinVar:

ClinVar aggregate classification (germline): Benign. Review status: criteria provided, single submitter (1 of 4 stars). 2 submissions from 2 submitters: Benign (1). 1 of the submissions does not count toward it. Last evaluated 2026-01-27.

Conditions:
COL18A1-related disorder. Also called: COL18A1-related condition; COL18A1-related disorders.

Allele frequency attached by ClinVar (database versions not stated): gnomAD 0.00010 and 0.00056; TOPMed 0.00019; ESP Exome Variant Server 0.00023; 1000 Genomes Project 30x 0.00250; ExAC 0.00255; 1000 Genomes Project 0.00280.
gnomAD v4.1: 1,727 of 1,613,128 alleles (0.11%); highest among the groups gnomAD compares: South Asian, 1.7%; 34 homozygotes.

Submissions (2):

Labcorp Genetics (formerly Invitae), Labcorp
Classification: Benign. Last evaluated: 2026-01-27. Review status: criteria provided, single submitter. Criteria: Invitae Variant Classification Sherloc (09022015). Collection method: clinical testing. Allele origin: germline.

PreventionGenetics, part of Exact Sciences
Classification: Benign for COL18A1-related condition. Last evaluated: 2019-09-23. Review status: no assertion criteria provided. Collection method: clinical testing. Allele origin: germline. Not counted in ClinVar's aggregate classification.
Comment: This variant is classified as benign based on ACMG/AMP sequence variant interpretation guidelines (Richards et al. 2015 PMID: 25741868, with internal and published modifications).

NM_001379500.1(COL18A1):c.107-12382C>T

Gene: COL18A1 (collagen type XVIII alpha 1 chain; plus strand). Cytogenetic location: 21q22.3.
Variant type: single nucleotide variant.
Coding change: c.107-12382C>T on transcript NM_001379500.1 (MANE Select); 12382 bases into the intron before coding-DNA position 107, C replaced by T.
Molecular consequence: intron variant. On other transcripts: synonymous variant (2).
Genome position (GRCh38, 1-based): chr21:45,455,860, C>T. VCF-style: chr21-45455860-C-T. GRCh37 (hg19) VCF-style: chr21-46875774-C-T.
Other names: c.330C>T, p.Val110= (NM_030582.4, NM_130444.3); c.330C>T (NM_030582.3).
Identifiers: ClinVar variation 1164508 (VCV001164508.11), dbSNP rs374634058, ClinGen allele CA10065443.
Genomic context (GRCh38, chr21:45,455,860, plus strand): 5'-CCAGGACACCCCCACTTCTGCCGAGAGCCCGGACGCGCCAGAGGAGAACATTGCCGGTGT[C>T]GGAGCCGAGATCCTGAACGTGGCCAAAGGCATCCGGAGCTTCGTCCAGCTGTGGAATGAC-3'